The following is an entry in ClinVar:

NM_001377265.1(MAPT):c.50C>T (p.Thr17Met)

Gene: MAPT (microtubule associated protein tau). Cytogenetic location: 17q21.31.
Variant type: single nucleotide variant.
Coding change: c.50C>T on transcript NM_001377265.1 (MANE Select); coding-DNA position 50, C replaced by T.
Protein change: p.Thr17Met; replaces threonine 17 with methionine.
Molecular consequence: missense variant. On other transcripts: non-coding transcript variant (1).
Genome position (GRCh38, 1-based): chr17:45,962,387, C>T. VCF-style: chr17-45962387-C-T. GRCh37 (hg19) VCF-style: chr17-44039753-C-T.
Other names: c.50C>T, p.Thr17Met (NM_001123066.4, NM_001123067.4, NM_001203251.2 and 8 more transcripts); short protein forms T17M.
Identifiers: ClinVar variation 704535 (VCV000704535.11), dbSNP rs144611688, ClinGen allele CA8617504.

ClinVar aggregate classification (germline): Benign/Likely benign. Review status: criteria provided, multiple submitters, no conflicts (2 of 4 stars). 3 submissions from 3 submitters: Benign (2); Likely benign (1). Last evaluated 2024-07-17.

Conditions:
Frontotemporal dementia (FTD1). Also called: FRONTOTEMPORAL LOBAR DEGENERATION WITH TAU INCLUSIONS; FTLD WITH TAU INCLUSIONS; Frontotemporal lobe dementia (FLDEM); Dementia, frontotemporal, with or without parkinsonism; Frontotemporal Dementia with Parkinsonism-17 (FTDP-17); FRONTOTEMPORAL DEMENTIA WITH PARKINSONISM. Identifiers: Orphanet 282, MedGen C0338451, MONDO:0017276, OMIM 600274, HP:0002145.

Allele frequency attached by ClinVar (database versions not stated): gnomAD exomes 0.00009 and 0.00020; ExAC 0.00022; gnomAD 0.00077 and 0.00080; TOPMed 0.00079; 1000 Genomes Project 0.00100; ESP Exome Variant Server 0.00115; 1000 Genomes Project 30x 0.00141.
gnomAD v4.1: 249 of 1,612,588 alleles (0.015%); highest among the groups gnomAD compares: African/African-American, 0.28%; 1 homozygote.

Submissions (3):

Athena Diagnostics
Classification: Benign. Last evaluated: 2024-07-17. Review status: criteria provided, single submitter. Criteria: Athena Diagnostics Criteria. Collection method: clinical testing. Allele origin: unknown.

Labcorp Genetics (formerly Invitae), Labcorp
Classification: Likely benign for Frontotemporal dementia. Last evaluated: 2024-03-04. Review status: criteria provided, single submitter. Criteria: Invitae Variant Classification Sherloc (09022015). Collection method: clinical testing. Allele origin: germline.

GeneDx
Classification: Benign. Last evaluated: 2020-11-11. Review status: criteria provided, single submitter. Criteria: GeneDx Variant Classification Process June 2021. Collection method: clinical testing. Allele origin: germline. Affected: yes.
Comment: This variant is associated with the following publications: (PMID: 25174650, 20020531)

Literature cited by the submitters: PubMed 20020531 (cited by Athena Diagnostics).